The following is an entry in ClinVar:

ClinVar aggregate classification (germline): Uncertain significance (1 of 4 stars; one submission).

gnomAD v4.1: 1 of 1,564,714 alleles (0.000064%); highest among the groups gnomAD compares: Non-Finnish European, 0.000087%; no homozygotes.

Submission:

Labcorp Genetics (formerly Invitae), Labcorp
Classification: Uncertain significance. Last evaluated: 2024-12-14. Review status: criteria provided, single submitter. Criteria: Invitae Variant Classification Sherloc (09022015). Collection method: clinical testing. Allele origin: germline.
Comment: This sequence change replaces alanine, which is neutral and non-polar, with valine, which is neutral and non-polar, at codon 2 of the TXN2 protein (p.Ala2Val). This variant is not present in population databases (gnomAD no frequency). This variant has not been reported in the literature in individuals affected with TXN2-related conditions. An algorithm developed to predict the effect of missense changes on protein structure and function (PolyPhen-2) suggests that this variant is likely to be disruptive. In summary, the available evidence is currently insufficient to determine the role of this variant in disease. Therefore, it has been classified as a Variant of Uncertain Significance.

NM_012473.4(TXN2):c.5C>T (p.Ala2Val)

Gene: TXN2 (thioredoxin 2; minus strand). Cytogenetic location: 22q12.3.
Variant type: single nucleotide variant.
Coding change: c.5C>T on transcript NM_012473.4 (MANE Select); coding-DNA position 5, C replaced by T.
Protein change: p.Ala2Val; replaces alanine 2 with valine.
Molecular consequence: missense variant.
Genome position (GRCh38, 1-based): chr22:36,480,833, G>A on the plus strand (C>T on the coding strand, the complement: TXN2 is on the minus strand). VCF-style: chr22-36480833-G-A. GRCh37 (hg19) VCF-style: chr22-36876880-G-A.
Other names: short protein forms A2V.
Identifiers: ClinVar variation 3690940 (VCV003690940.2).
Genomic context (GRCh38, chr22:36,480,833, plus strand): 5'-CCCTGAGAGGGCTTCCTGGAGATGACAGAGGCCAGGAACCTCCTCAGAAGAAGTCGCTGA[G>A]CCATCTGTGAGGGAAAGAGGCAGAAGAACTGGGGCACACAAAAGGAAGTCGACACACTAG-3'
Protein context (NP_036605.2, residues 1-12): M[Ala2Val]QRLLLRRFLA